The following is an entry in ClinVar:

NM_003098.3(SNTA1):c.139G>C (p.Gly47Arg)

Genes: SNTA1 (syntrophin alpha 1; minus strand), LOC130065680 (ATAC-STARR-seq lymphoblastoid silent region 12812; plus strand). Cytogenetic location: 20q11.21.
Variant type: single nucleotide variant.
Coding change: c.139G>C on transcript NM_003098.3 (MANE Select); coding-DNA position 139, G replaced by C.
Protein change: p.Gly47Arg; replaces glycine 47 with arginine.
Molecular consequence: missense variant.
Genome position (GRCh38, 1-based): chr20:33,443,482, C>G on the plus strand (G>C on the coding strand, the complement: SNTA1 is on the minus strand). VCF-style: chr20-33443482-C-G. GRCh37 (hg19) VCF-style: chr20-32031288-C-G.
Other names: c.139G>C, p.Gly47Arg (NM_001424413.1, NM_001424414.1); short protein forms G47R.
Identifiers: ClinVar variation 3690693 (VCV003690693.2).

ClinVar aggregate classification (germline): Uncertain significance (1 of 4 stars; one submission).

Conditions:
Long QT syndrome (LQTS). Identifiers: MedGen C0023976, MeSH D008133, MONDO:0002442. Disease mechanism: loss of function. Inheritance: Various modes of inheritance.

Submission:

Labcorp Genetics (formerly Invitae), Labcorp
Classification: Uncertain significance for Long QT syndrome. Last evaluated: 2024-12-12. Review status: criteria provided, single submitter. Criteria: Invitae Variant Classification Sherloc (09022015). Collection method: clinical testing. Allele origin: germline.
Comment: This sequence change replaces glycine, which is neutral and non-polar, with arginine, which is basic and polar, at codon 47 of the SNTA1 protein (p.Gly47Arg). This variant is not present in population databases (gnomAD no frequency). This variant has not been reported in the literature in individuals affected with SNTA1-related conditions. An algorithm developed to predict the effect of missense changes on protein structure and function (PolyPhen-2) suggests that this variant is likely to be disruptive. In summary, the available evidence is currently insufficient to determine the role of this variant in disease. Therefore, it has been classified as a Variant of Uncertain Significance.